The following is an entry in ClinVar:

ClinVar aggregate classification (germline): Benign/Likely benign. Review status: criteria provided, multiple submitters, no conflicts (2 of 4 stars). 3 submissions from 3 submitters: Benign (1); Likely benign (2). Last evaluated 2018-01-13.

Conditions:
Holocarboxylase synthetase deficiency. Also called: MULTIPLE CARBOXYLASE DEFICIENCY, EARLY ONSET. Identifiers: Orphanet 79242, MedGen C0268581, MONDO:0009666, OMIM 253270.

Allele frequency attached by ClinVar (database versions not stated): gnomAD exomes 0.00028 and 0.00067; ExAC 0.00087; gnomAD 0.00245 and 0.00259; ESP Exome Variant Server 0.00254; TOPMed 0.00273; 1000 Genomes Project 30x 0.00437; 1000 Genomes Project 0.00439.

Submissions (3):

Illumina Laboratory Services, Illumina
Classification: Likely benign for Holocarboxylase synthetase deficiency. Last evaluated: 2018-01-13. Review status: criteria provided, single submitter. Criteria: ICSL Variant Classification Criteria 13 December 2019. Collection method: clinical testing. Allele origin: germline.
Comment: This variant was observed in the ICSL laboratory as part of a predisposition screen in an ostensibly healthy population. It had not been previously curated by ICSL or reported in the Human Gene Mutation Database (HGMD: prior to June 1st, 2018), and was therefore a candidate for classification through an automated scoring system. Utilizing variant allele frequency, disease prevalence and penetrance estimates, and inheritance mode, an automated score was calculated to assess if this variant is too frequent to cause the disease. Based on the score and internal cut-off values, a variant classified as likely benign is not then subjected to further curation. The score for this variant resulted in a classification of likely benign for this disease.

GeneDx
Classification: Benign. Last evaluated: 2015-06-15. Review status: criteria provided, single submitter. Criteria: GeneDx Variant Classification (06012015). Collection method: clinical testing. Allele origin: germline. Affected: yes.
Comment: This variant is considered likely benign or benign based on one or more of the following criteria: it is a conservative change, it occurs at a poorly conserved position in the protein, it is predicted to be benign by multiple in silico algorithms, and/or has population frequency not consistent with disease.

Breakthrough Genomics
Classification: Likely benign. Review status: criteria provided, single submitter. Criteria: ACMG Guidelines, 2015. Collection method: not provided. Allele origin: germline. Inheritance: Autosomal recessive inheritance. Affected: yes.

NM_001352514.2(HLCS):c.*19C>T

Gene: HLCS (holocarboxylase synthetase; minus strand). Cytogenetic location: 21q22.13.
Variant type: single nucleotide variant.
Coding change: c.*19C>T on transcript NM_001352514.2 (MANE Select); 19 bases downstream of the stop codon, C replaced by T.
Molecular consequence: 3 prime UTR variant. On other transcripts: non-coding transcript variant (2).
Genome position (GRCh38, 1-based): chr21:36,754,227, G>A on the plus strand (C>T on the coding strand, the complement: HLCS is on the minus strand). VCF-style: chr21-36754227-G-A. GRCh37 (hg19) VCF-style: chr21-38126528-G-A.
Other names: c.*19C>T (NM_000411.8, NM_001242784.3, NM_001242785.2 and 4 more transcripts).
Identifiers: ClinVar variation 377964 (VCV000377964.6), dbSNP rs137949852, ClinGen allele CA10020192.
Genomic context (GRCh38, chr21:36,754,227, plus strand): 5'-AAAATTCACCTACAACTCTAAATTAGATTTCCAGATGCATGGGCACGGACAGGCAGCCGC[G>A]TCTCGGGGACGCCCGGCATTACCGCCGTTTGGGGAGGATGAGGTTTCTCAGCATGTCGAA-3'